The following is an entry in ClinVar:

NM_014915.3(ANKRD26):c.596T>G (p.Ile199Arg)

Gene: ANKRD26 (ankyrin repeat domain containing 26; minus strand). Cytogenetic location: 10p12.1.
Variant type: single nucleotide variant.
Coding change: c.596T>G on transcript NM_014915.3 (MANE Select); coding-DNA position 596, T replaced by G.
Protein change: p.Ile199Arg; replaces isoleucine 199 with arginine.
Molecular consequence: missense variant.
Genome position (GRCh38, 1-based): chr10:27,092,448, A>C on the plus strand (T>G on the coding strand, the complement: ANKRD26 is on the minus strand). VCF-style: chr10-27092448-A-C. GRCh37 (hg19) VCF-style: chr10-27381377-A-C.
Other names: c.596T>G, p.Ile199Arg (NM_001256053.2); short protein forms I199R.
Identifiers: ClinVar variation 3913747 (VCV003913747.1).
Genomic context (GRCh38, chr10:27,092,448, plus strand): 5'-CAAAACCAGCTACTGTACCTTTCCAACTTATCTACTGCATTTACATTTGCTTTTTTCTTT[A>C]TTAAAAATTCCACCATTTGCTGCTTTTTTCCACTTACTGCAAGTAAAAGTGGTGTGAGGT-3'
Protein context (NP_055730.2, residues 189-209): GKKQQMVEFL[Ile199Arg]KKKANVNAVD

ClinVar aggregate classification (germline): Uncertain significance (1 of 4 stars; one submission).

Conditions:
Inborn genetic diseases. Identifiers: MedGen C0950123, MeSH D030342.

Submission:

Ambry Genetics
Classification: Uncertain significance for Inborn genetic diseases. Last evaluated: 2025-04-16. Review status: criteria provided, single submitter. Criteria: Ambry Variant Classification Scheme 2023. Collection method: clinical testing. Allele origin: germline.
Comment: The p.I199R variant (also known as c.596T>G), located in coding exon 4 of the ANKRD26 gene, results from a T to G substitution at nucleotide position 596. The isoleucine at codon 199 is replaced by arginine, an amino acid with similar properties. This amino acid position is conserved. In addition, this alteration is predicted to be tolerated by in silico analysis. Based on the available evidence, the clinical significance of this variant remains unclear.